The following is an entry in ClinVar:

NM_005159.5(ACTC1):c.455-6G>A

Genes: ACTC1 (actin alpha cardiac muscle 1; minus strand), GJD2-DT (GJD2 divergent transcript; plus strand). Cytogenetic location: 15q14.
Variant type: single nucleotide variant.
Coding change: c.455-6G>A on transcript NM_005159.5 (MANE Select); 6 bases into the intron before coding-DNA position 455, G replaced by A.
Molecular consequence: intron variant.
Genome position (GRCh38, 1-based): chr15:34,792,575, C>T on the plus strand (G>A on the coding strand, the complement: ACTC1 is on the minus strand). VCF-style: chr15-34792575-C-T. GRCh37 (hg19) VCF-style: chr15-35084776-C-T.
Identifiers: ClinVar variation 919556 (VCV000919556.17), dbSNP rs1359050330, ClinGen allele CA712280261.

ClinVar aggregate classification (germline): Uncertain significance. Review status: criteria provided, multiple submitters, no conflicts (2 of 4 stars). 4 submissions from 4 submitters: Uncertain significance (3). 1 of the submissions does not count toward it. Last evaluated 2025-07-01.

Conditions:
Atrial septal defect 5 (ASD5). Identifiers: Orphanet 1478, MedGen C2748552, MONDO:0013011, OMIM 612794.
Hypertrophic cardiomyopathy 11. Also called: ACTC1-Related Familial Hypertrophic Cardiomyopathy. Identifiers: MedGen C2677506, MONDO:0012799, OMIM 612098.
Dilated cardiomyopathy 1R (CMD1R). Identifiers: Orphanet 154, Orphanet 54260, MedGen C3150681, MONDO:0013261, OMIM 613424.
Cardiomyopathy (CMYO). Also called: Cardiomyopathies. Identifiers: Orphanet 167848, MedGen C0878544, MONDO:0004994, HP:0001638. Inheritance: Various modes of inheritance.
ACTC1-related disorder. Also called: ACTC1-related condition.

Allele frequency attached by ClinVar (database versions not stated): TOPMed below 0.00001; gnomAD 0.00001; 1000 Genomes Project 30x 0.00016.
gnomAD v4.1: 9 of 1,614,078 alleles (0.00056%); highest among the groups gnomAD compares: East Asian, 0.0022%; no homozygotes.

Submissions (4):

Color Diagnostics, LLC DBA Color Health
Classification: Uncertain significance for Cardiomyopathy. Last evaluated: 2025-07-01. Review status: criteria provided, single submitter. Criteria: ACMG Guidelines, 2015. Collection method: clinical testing. Allele origin: germline.
Comment: This variant causes a G to A nucleotide substitution at the -6 position of intron 3 of the ACTC1 gene. Splice site prediction tools predict that this variant may have a significant impact on RNA splicing. To our knowledge, functional studies have not been reported for this variant. This variant has not been reported in individuals affected with ACTC1-related disorders in the literature. This variant has not been identified in the general population by the Genome Aggregation Database (gnomAD). The available evidence is insufficient to determine the role of this variant in disease conclusively. Therefore, this variant is classified as a Variant of Uncertain Significance.

Labcorp Genetics (formerly Invitae), Labcorp
Classification: Uncertain significance for Dilated cardiomyopathy 1R; Hypertrophic cardiomyopathy 11; Atrial septal defect 5. Last evaluated: 2021-01-16. Review status: criteria provided, single submitter. Criteria: Invitae Variant Classification Sherloc (09022015). Collection method: clinical testing. Allele origin: germline.
Comment: Algorithms developed to predict the effect of sequence changes on RNA splicing suggest that this variant may disrupt the consensus splice site, but this prediction has not been confirmed by published transcriptional studies. In summary, the available evidence is currently insufficient to determine the role of this variant in disease. Therefore, it has been classified as a Variant of Uncertain Significance. This variant has not been reported in the literature in individuals with ACTC1-related conditions. ClinVar contains an entry for this variant (Variation ID: 919556). This variant is not present in population databases (ExAC no frequency). This sequence change falls in intron 3 of the ACTC1 gene. It does not directly change the encoded amino acid sequence of the ACTC1 protein.

Blueprint Genetics
Classification: Uncertain significance. Last evaluated: 2019-06-17. Review status: criteria provided, single submitter. Criteria: ACMG Guidelines, 2015. Collection method: clinical testing. Allele origin: germline.

PreventionGenetics, part of Exact Sciences
Classification: Uncertain significance for ACTC1-related condition. Last evaluated: 2024-06-27. Review status: no assertion criteria provided. Collection method: clinical testing. Allele origin: germline. Not counted in ClinVar's aggregate classification.
Comment: The ACTC1 c.455-6G>A variant is predicted to interfere with splicing. To our knowledge, this variant has not been reported in the literature or in a large population database, indicating this variant is rare. At this time, the clinical significance of this variant is uncertain due to the absence of conclusive functional and genetic evidence.